The following is an entry in ClinVar:

ClinVar aggregate classification (germline): Uncertain significance (1 of 4 stars; one submission).

Conditions:
Charcot-Marie-Tooth disease recessive intermediate C. Also called: CHARCOT-MARIE-TOOTH NEUROPATHY, RECESSIVE INTERMEDIATE C. Identifiers: Orphanet 369867, MedGen C3809309, MONDO:0014154, OMIM 615376.
Neuronopathy, distal hereditary motor, autosomal recessive 4. Also called: Autosomal recessive lower motor neuron disease with childhood onset; NEUROPATHY, DISTAL HEREDITARY MOTOR, AUTOSOMAL RECESSIVE 4. Identifiers: Orphanet 206580, MedGen C1970211, MONDO:0012608, OMIM 611067.

Allele frequency attached by ClinVar (database versions not stated): ExAC 0.00001; gnomAD 0.00001; gnomAD exomes 0.00001; TOPMed 0.00001.
gnomAD v4.1: 20 of 1,605,990 alleles (0.0012%); highest among the groups gnomAD compares: Non-Finnish European, 0.0017%; no homozygotes.

Submission:

Labcorp Genetics (formerly Invitae), Labcorp
Classification: Uncertain significance for Neuronopathy, distal hereditary motor, autosomal recessive 4; Charcot-Marie-Tooth disease recessive intermediate C. Last evaluated: 2021-08-31. Review status: criteria provided, single submitter. Criteria: Invitae Variant Classification Sherloc (09022015). Collection method: clinical testing. Allele origin: germline.
Comment: This sequence change falls in intron 10 of the PLEKHG5 gene. It does not directly change the encoded amino acid sequence of the PLEKHG5 protein. It affects a nucleotide within the consensus splice site of the intron. This variant is present in population databases (rs772519809, ExAC 0.003%). This variant has not been reported in the literature in individuals affected with PLEKHG5-related conditions. ClinVar contains an entry for this variant (Variation ID: 536785). Variants that disrupt the consensus splice site are a relatively common cause of aberrant splicing (PMID: 17576681, 9536098). Algorithms developed to predict the effect of sequence changes on RNA splicing suggest that this variant is not likely to affect RNA splicing. In summary, the available evidence is currently insufficient to determine the role of this variant in disease. Therefore, it has been classified as a Variant of Uncertain Significance.

Literature cited by the submitters: PubMed 17576681; PubMed 9536098.

NM_020631.6(PLEKHG5):c.1081-3C>T

Gene: PLEKHG5 (pleckstrin homology and RhoGEF domain containing G5; minus strand). Cytogenetic location: 1p36.31.
Variant type: single nucleotide variant.
Coding change: c.1081-3C>T on transcript NM_020631.6 (MANE Select); 3 bases into the intron before coding-DNA position 1081, C replaced by T.
Molecular consequence: intron variant.
Genome position (GRCh38, 1-based): chr1:6,471,811, G>A on the plus strand (C>T on the coding strand, the complement: PLEKHG5 is on the minus strand). VCF-style: chr1-6471811-G-A. GRCh37 (hg19) VCF-style: chr1-6531871-G-A.
Other names: c.1081-3C>T (NM_198681.4, NM_001265594.3, NM_001042664.2 and 1 more transcripts); c.1192-3C>T (NM_001042663.3, NM_001265592.2); c.1288-3C>T (NM_001265593.2).
Identifiers: ClinVar variation 536785 (VCV000536785.6), dbSNP rs772519809, ClinGen allele CA561638.